The following is an entry in ClinVar:

NM_004525.3(LRP2):c.9251A>G (p.Asn3084Ser)

Gene: LRP2 (LDL receptor related protein 2; minus strand). Cytogenetic location: 2q31.1.
Variant type: single nucleotide variant.
Coding change: c.9251A>G on transcript NM_004525.3 (MANE Select); coding-DNA position 9251, A replaced by G.
Protein change: p.Asn3084Ser; replaces asparagine 3084 with serine.
Molecular consequence: missense variant.
Genome position (GRCh38, 1-based): chr2:169,188,047, T>C on the plus strand (A>G on the coding strand, the complement: LRP2 is on the minus strand). VCF-style: chr2-169188047-T-C. GRCh37 (hg19) VCF-style: chr2-170044557-T-C.
Other names: short protein forms N3084S.
Identifiers: ClinVar variation 1472954 (VCV001472954.5), dbSNP rs1411164246, ClinGen allele CA349156262.

ClinVar aggregate classification (germline): Uncertain significance (1 of 4 stars; one submission).

Allele frequency attached by ClinVar (database versions not stated): gnomAD exomes below 0.00001; TOPMed below 0.00001; gnomAD 0.00001.
gnomAD v4.1: 6 of 1,614,010 alleles (0.00037%); highest among the groups gnomAD compares: Non-Finnish European, 0.00051%; no homozygotes.

Submission:

Labcorp Genetics (formerly Invitae), Labcorp
Classification: Uncertain significance. Last evaluated: 2022-09-01. Review status: criteria provided, single submitter. Criteria: Invitae Variant Classification Sherloc (09022015). Collection method: clinical testing. Allele origin: germline.
Comment: This sequence change replaces asparagine, which is neutral and polar, with serine, which is neutral and polar, at codon 3084 of the LRP2 protein (p.Asn3084Ser). This variant is not present in population databases (gnomAD no frequency). This variant has not been reported in the literature in individuals affected with LRP2-related conditions. ClinVar contains an entry for this variant (Variation ID: 1472954). Advanced modeling of protein sequence and biophysical properties (such as structural, functional, and spatial information, amino acid conservation, physicochemical variation, residue mobility, and thermodynamic stability) performed at Invitae indicates that this missense variant is not expected to disrupt LRP2 protein function. In summary, the available evidence is currently insufficient to determine the role of this variant in disease. Therefore, it has been classified as a Variant of Uncertain Significance.